The following is an entry in ClinVar:

ClinVar aggregate classification (germline): Uncertain significance. Review status: criteria provided, multiple submitters, no conflicts (2 of 4 stars). 2 submissions from 2 submitters: Uncertain significance (2). Last evaluated 2025-06-09.

Conditions:
Hereditary nonpolyposis colorectal neoplasms. Identifiers: MedGen C0009405, MeSH D003123.
Hereditary cancer-predisposing syndrome. Also called: Tumor predisposition; Hereditary neoplastic syndrome; Neoplastic Syndromes, Hereditary; Hereditary Cancer Syndrome. Identifiers: Orphanet 140162, MedGen C0027672, MeSH D009386, MONDO:0015356.

gnomAD v4.1: 1 of 1,614,146 alleles (0.000062%); highest among the groups gnomAD compares: Non-Finnish European, 0.000085%; no homozygotes.

Submissions (2):

Labcorp Genetics (formerly Invitae), Labcorp
Classification: Uncertain significance for Hereditary nonpolyposis colorectal neoplasms. Last evaluated: 2025-06-09. Review status: criteria provided, single submitter. Criteria: Invitae Variant Classification Sherloc (09022015). Collection method: clinical testing. Allele origin: germline.
Comment: This sequence change replaces threonine, which is neutral and polar, with serine, which is neutral and polar, at codon 363 of the MSH6 protein (p.Thr363Ser). This variant is not present in population databases (gnomAD no frequency). This variant has not been reported in the literature in individuals affected with MSH6-related conditions. ClinVar contains an entry for this variant (Variation ID: 856841). Invitae Evidence Modeling of protein sequence and biophysical properties (such as structural, functional, and spatial information, amino acid conservation, physicochemical variation, residue mobility, and thermodynamic stability) indicates that this missense variant is not expected to disrupt MSH6 protein function with a negative predictive value of 95%. In summary, the available evidence is currently insufficient to determine the role of this variant in disease. Therefore, it has been classified as a Variant of Uncertain Significance.

Ambry Genetics
Classification: Uncertain significance for Hereditary cancer-predisposing syndrome. Last evaluated: 2022-11-25. Review status: criteria provided, single submitter. Criteria: Ambry Variant Classification Scheme 2023. Collection method: clinical testing. Allele origin: germline.
Comment: The p.T363S variant (also known as c.1088C>G), located in coding exon 4 of the MSH6 gene, results from a C to G substitution at nucleotide position 1088. The threonine at codon 363 is replaced by serine, an amino acid with similar properties. This amino acid position is conserved. In addition, this alteration is predicted to be tolerated by in silico analysis. Since supporting evidence is limited at this time, the clinical significance of this alteration remains unclear.

NM_000179.3(MSH6):c.1088C>G (p.Thr363Ser)

Gene: MSH6 (mutS homolog 6; plus strand). Cytogenetic location: 2p16.3.
Variant type: single nucleotide variant.
Coding change: c.1088C>G on transcript NM_000179.3 (MANE Select); coding-DNA position 1088, C replaced by G.
Protein change: p.Thr363Ser; replaces threonine 363 with serine.
Molecular consequence: missense variant.
Genome position (GRCh38, 1-based): chr2:47,799,071, C>G. VCF-style: chr2-47799071-C-G. GRCh37 (hg19) VCF-style: chr2-48026210-C-G.
Other names: c.698C>G, p.Thr233Ser (NM_001281492.2); c.182C>G, p.Thr61Ser (NM_001281493.2, NM_001281494.2); short protein forms T233S, T61S, T363S.
Identifiers: ClinVar variation 856841 (VCV000856841.12), dbSNP rs1243909922, ClinGen allele CA346741841.